The following is an entry in ClinVar:

ClinVar aggregate classification (germline): Uncertain significance (1 of 4 stars; one submission).

Submission:

Labcorp Genetics (formerly Invitae), Labcorp
Classification: Uncertain significance. Last evaluated: 2024-02-23. Review status: criteria provided, single submitter. Criteria: Invitae Variant Classification Sherloc (09022015). Collection method: clinical testing. Allele origin: germline.
Comment: This sequence change replaces lysine, which is basic and polar, with arginine, which is basic and polar, at codon 2269 of the CHD8 protein (p.Lys2269Arg). This variant is not present in population databases (gnomAD no frequency). This variant has not been reported in the literature in individuals affected with CHD8-related conditions. Advanced modeling of protein sequence and biophysical properties (such as structural, functional, and spatial information, amino acid conservation, physicochemical variation, residue mobility, and thermodynamic stability) performed at Invitae indicates that this missense variant is not expected to disrupt CHD8 protein function with a negative predictive value of 80%. In summary, the available evidence is currently insufficient to determine the role of this variant in disease. Therefore, it has been classified as a Variant of Uncertain Significance.

NM_001170629.2(CHD8):c.6806A>G (p.Lys2269Arg)

Genes: CHD8 (chromodomain helicase DNA binding protein 8; minus strand), LOC126861888 (CDK7 strongly-dependent group 2 enhancer GRCh37_chr14:21859227-21860426; plus strand). Cytogenetic location: 14q11.2.
Variant type: single nucleotide variant.
Coding change: c.6806A>G on transcript NM_001170629.2 (MANE Select); coding-DNA position 6806, A replaced by G.
Protein change: p.Lys2269Arg; replaces lysine 2269 with arginine.
Molecular consequence: missense variant.
Genome position (GRCh38, 1-based): chr14:21,391,912, T>C on the plus strand (A>G on the coding strand, the complement: CHD8 is on the minus strand). VCF-style: chr14-21391912-T-C. GRCh37 (hg19) VCF-style: chr14-21860071-T-C.
Other names: c.5969A>G, p.Lys1990Arg (NM_020920.4); short protein forms K1990R, K2269R.
Identifiers: ClinVar variation 2765474 (VCV002765474.3), dbSNP rs2501845813, ClinGen allele CA388877567.